The following is an entry in ClinVar:

NM_021971.4(GMPPB):c.854G>T (p.Cys285Phe)

Gene: GMPPB (GDP-mannose pyrophosphorylase B; minus strand). Cytogenetic location: 3p21.31.
Variant type: single nucleotide variant.
Coding change: c.854G>T on transcript NM_021971.4 (MANE Select); coding-DNA position 854, G replaced by T.
Protein change: p.Cys285Phe; replaces cysteine 285 with phenylalanine.
Molecular consequence: missense variant.
Genome position (GRCh38, 1-based): chr3:49,722,062, C>A on the plus strand (G>T on the coding strand, the complement: GMPPB is on the minus strand). VCF-style: chr3-49722062-C-A. GRCh37 (hg19) VCF-style: chr3-49759495-C-A.
Other names: c.854G>T, p.Cys285Phe (NM_013334.4); short protein forms C285F.
Identifiers: ClinVar variation 1398207 (VCV001398207.6), dbSNP rs2108210916, ClinGen allele CA352827304.

ClinVar aggregate classification (germline): Uncertain significance (1 of 4 stars; one submission).

Conditions:
Muscular dystrophy-dystroglycanopathy (congenital with impaired intellectual development), type B, 14. Also called: Congenital muscular dystrophy-dystroglycanopathy with mental retardation, type B14; Muscular dystrophy-dystroglycanopathy (congenital with intellectual disability), type B14; MUSCULAR DYSTROPHY, CONGENITAL, GMPPB-RELATED. Identifiers: MedGen C3809221, MONDO:0014141, OMIM 615351.
Autosomal recessive limb-girdle muscular dystrophy type 2T. Also called: Limb-girdle muscular dystrophy-dystroglycanopathy, type C14; MUSCULAR DYSTROPHY-DYSTROGLYCANOPATHY, LIMB-GIRDLE, GMPPB-RELATED; MUSCULAR DYSTROPHY, LIMB-GIRDLE, TYPE 2T; Muscular dystrophy-dystroglycanopathy (limb-girdle), type c, 14. Identifiers: Orphanet 363623, MedGen C4518000, MONDO:0014142, OMIM 615352.
Muscular dystrophy-dystroglycanopathy (congenital with brain and eye anomalies), type A14. Also called: Congenital muscular dystrophy-dystroglycanopathy with brain and eye anomalies, type A14; WALKER-WARBURG SYNDROME OR MUSCLE-EYE-BRAIN DISEASE, GMPPB-RELATED; Muscular dystrophy-dystroglycanopathy (congenital with brain and eye anomalies), type a, 14; Congenital Muscular Dystrophy-Dystroglycanopathy with Brain and Eye Anomalies Type A 14. Identifiers: Orphanet 588, MedGen C3809216, MONDO:0014140, OMIM 615350.

Submission:

Labcorp Genetics (formerly Invitae), Labcorp
Classification: Uncertain significance for Autosomal recessive limb-girdle muscular dystrophy type 2T; Muscular dystrophy-dystroglycanopathy (congenital with brain and eye anomalies), type A14; Muscular dystrophy-dystroglycanopathy (congenital with impaired intellectual development), type B, 14. Last evaluated: 2021-10-07. Review status: criteria provided, single submitter. Criteria: Invitae Variant Classification Sherloc (09022015). Collection method: clinical testing. Allele origin: germline.
Comment: This sequence change replaces cysteine with phenylalanine at codon 285 of the GMPPB protein (p.Cys285Phe). The cysteine residue is weakly conserved and there is a large physicochemical difference between cysteine and phenylalanine. This variant is not present in population databases (ExAC no frequency). This variant has not been reported in the literature in individuals affected with GMPPB-related conditions. Advanced modeling of protein sequence and biophysical properties (such as structural, functional, and spatial information, amino acid conservation, physicochemical variation, residue mobility, and thermodynamic stability) performed at Invitae indicates that this missense variant is not expected to disrupt GMPPB protein function. In summary, the available evidence is currently insufficient to determine the role of this variant in disease. Therefore, it has been classified as a Variant of Uncertain Significance.